The following is an entry in ClinVar:

NM_025150.5(TARS2):c.193C>G (p.Leu65Val)

Gene: TARS2 (threonyl-tRNA synthetase 2, mitochondrial; plus strand). Cytogenetic location: 1q21.2.
Variant type: single nucleotide variant.
Coding change: c.193C>G on transcript NM_025150.5 (MANE Select); coding-DNA position 193, C replaced by G.
Protein change: p.Leu65Val; replaces leucine 65 with valine.
Molecular consequence: missense variant. On other transcripts: non-coding transcript variant (2).
Genome position (GRCh38, 1-based): chr1:150,487,984, C>G. VCF-style: chr1-150487984-C-G. GRCh37 (hg19) VCF-style: chr1-150460460-C-G.
Other names: c.193C>G, p.Leu65Val (NM_001271895.2, NM_001271896.2); short protein forms L65V.
Identifiers: ClinVar variation 1722294 (VCV001722294.5), dbSNP rs2526246123, ClinGen allele CA342317715.

ClinVar aggregate classification (germline): Uncertain significance (1 of 4 stars; one submission).

Submission:

Labcorp Genetics (formerly Invitae), Labcorp
Classification: Uncertain significance. Last evaluated: 2022-07-21. Review status: criteria provided, single submitter. Criteria: Invitae Variant Classification Sherloc (09022015). Collection method: clinical testing. Allele origin: germline.
Comment: This variant has not been reported in the literature in individuals affected with TARS2-related conditions. In summary, the available evidence is currently insufficient to determine the role of this variant in disease. Therefore, it has been classified as a Variant of Uncertain Significance. Algorithms developed to predict the effect of missense changes on protein structure and function are either unavailable or do not agree on the potential impact of this missense change (SIFT: "Deleterious"; PolyPhen-2: "Probably Damaging"; Align-GVGD: "Class C0"). This variant is not present in population databases (gnomAD no frequency). This sequence change replaces leucine, which is neutral and non-polar, with valine, which is neutral and non-polar, at codon 65 of the TARS2 protein (p.Leu65Val).